The following is an entry in ClinVar:

NM_001080453.3(INTS1):c.3388C>T (p.Arg1130Cys)

Gene: INTS1 (integrator complex subunit 1; minus strand). Cytogenetic location: 7p22.3.
Variant type: single nucleotide variant.
Coding change: c.3388C>T on transcript NM_001080453.3 (MANE Select); coding-DNA position 3388, C replaced by T.
Protein change: p.Arg1130Cys; replaces arginine 1130 with cysteine.
Molecular consequence: missense variant.
Genome position (GRCh38, 1-based): chr7:1,484,044, G>A on the plus strand (C>T on the coding strand, the complement: INTS1 is on the minus strand). VCF-style: chr7-1484044-G-A. GRCh37 (hg19) VCF-style: chr7-1523680-G-A.
Other names: NC_000007.13:g.1523680G>A; short protein forms R1130C.
Identifiers: ClinVar variation 1030092 (VCV001030092.5), dbSNP rs200026887, ClinGen allele CA4119338.
Genomic context (GRCh38, chr7:1,484,044, plus strand): 5'-TAGACCTCCTCGCCCTCACCCAGCTGTAGACCTCCTCGCCCTCCTTGCTCTGCCGCATGC[G>A]CCTCACGTAGCGTGAGAAGATGGACAACAGAGCGCTCAGCACGGCGTCCGACGCGGCACT-3'
Protein context (NP_001073922.2, residues 1120-1140): LLSIFSRYVR[Arg1130Cys]MRQSKEGEEV

ClinVar aggregate classification (germline): Uncertain significance. Review status: criteria provided, multiple submitters, no conflicts (2 of 4 stars). 2 submissions from 2 submitters: Uncertain significance (2). Last evaluated 2022-03-10.

Conditions:
Neurodevelopmental disorder with cataracts, poor growth, and dysmorphic facies. Identifiers: MedGen C5231414, MONDO:0032817, OMIM 618571.
Inborn genetic diseases. Identifiers: MedGen C0950123, MeSH D030342.

Allele frequency attached by ClinVar (database versions not stated): TOPMed 0.00051; gnomAD 0.00048 and 0.00051; gnomAD exomes 0.00066 and 0.00042; 1000 Genomes Project 30x 0.00016; 1000 Genomes Project 0.00020; ESP Exome Variant Server 0.00062; ExAC 0.00033.
gnomAD v4.1: 1,014 of 1,611,644 alleles (0.063%); highest among the groups gnomAD compares: Non-Finnish European, 0.079%; 1 homozygote.

Submissions (3):

Ambry Genetics
Classification: Uncertain significance for Inborn genetic diseases. Last evaluated: 2022-03-10. Review status: criteria provided, single submitter. Criteria: Ambry Variant Classification Scheme 2023. Collection method: clinical testing. Allele origin: germline.

Baylor Genetics
Classification: Uncertain significance for Neurodevelopmental disorder with cataracts, poor growth, and dysmorphic facies. Last evaluated: 2020-11-06. Review status: criteria provided, single submitter. Criteria: ACMG Guidelines, 2015. Collection method: clinical testing. Allele origin: unknown. Affected: yes.
Comment: This variant was determined to be of uncertain significance according to ACMG Guidelines, 2015 [PMID:25741868].

Dr. Peter K. Rogan Lab, Western University
No classification provided (evidence only). Condition: Nonpapillary renal cell carcinoma. Review status: no classification provided. Collection method: in vitro. Allele origin: not applicable. Functional consequence: retained intron. Not counted in ClinVar's aggregate classification.